The following is an entry in ClinVar:

ClinVar aggregate classification (germline): Uncertain significance. Review status: criteria provided, multiple submitters, no conflicts (2 of 4 stars). 2 submissions from 2 submitters: Uncertain significance (2). Last evaluated 2025-04-06.

Conditions:
Charcot-Marie-Tooth disease type 2. Also called: Charcot-Marie-Tooth type 2. Identifiers: Orphanet 64746, MedGen C0270914, MONDO:0018993.

Allele frequency attached by ClinVar (database versions not stated): gnomAD exomes 0.00003.
gnomAD v4.1: 36 of 1,612,244 alleles (0.0022%); highest among the groups gnomAD compares: Non-Finnish European, 0.0031%; no homozygotes.

Submissions (2):

Ambry Genetics
Classification: Uncertain significance. Last evaluated: 2025-04-06. Review status: criteria provided, single submitter. Criteria: Ambry Variant Classification Scheme 2023. Collection method: clinical testing. Allele origin: germline.
Comment: The p.A966T variant (also known as c.2896G>A), located in coding exon 25 of the KIF1B gene, results from a G to A substitution at nucleotide position 2896. The alanine at codon 966 is replaced by threonine, an amino acid with similar properties. This amino acid position is highly conserved in available vertebrate species. In addition, the in silico prediction for this alteration is inconclusive. Since supporting evidence is limited at this time, the clinical significance of this alteration remains unclear.

Labcorp Genetics (formerly Invitae), Labcorp
Classification: Uncertain significance for Charcot-Marie-Tooth disease type 2. Last evaluated: 2024-04-29. Review status: criteria provided, single submitter. Criteria: Invitae Variant Classification Sherloc (09022015). Collection method: clinical testing. Allele origin: germline.
Comment: This sequence change replaces alanine, which is neutral and non-polar, with threonine, which is neutral and polar, at codon 966 of the KIF1B protein (p.Ala966Thr). This variant is present in population databases (no rsID available, gnomAD 0.0009%). This variant has not been reported in the literature in individuals affected with KIF1B-related conditions. ClinVar contains an entry for this variant (Variation ID: 1797357). Advanced modeling of protein sequence and biophysical properties (such as structural, functional, and spatial information, amino acid conservation, physicochemical variation, residue mobility, and thermodynamic stability) performed at Invitae indicates that this missense variant is not expected to disrupt KIF1B protein function with a negative predictive value of 80%. In summary, the available evidence is currently insufficient to determine the role of this variant in disease. Therefore, it has been classified as a Variant of Uncertain Significance.

NM_001365951.3(KIF1B):c.3034G>A (p.Ala1012Thr)

Gene: KIF1B (kinesin family member 1B; plus strand). Cytogenetic location: 1p36.22.
Variant type: single nucleotide variant.
Coding change: c.3034G>A on transcript NM_001365951.3 (MANE Select); coding-DNA position 3034, G replaced by A.
Protein change: p.Ala1012Thr; replaces alanine 1012 with threonine.
Molecular consequence: missense variant.
Genome position (GRCh38, 1-based): chr1:10,334,629, G>A. VCF-style: chr1-10334629-G-A. GRCh37 (hg19) VCF-style: chr1-10394687-G-A.
Other names: c.3034G>A, p.Ala1012Thr (NM_001365952.1); c.2896G>A, p.Ala966Thr (NM_015074.3); short protein forms A1012T, A966T.
Identifiers: ClinVar variation 1797357 (VCV001797357.7), dbSNP rs1452348803, ClinGen allele CA338338861.